The following is an entry in ClinVar:

ClinVar aggregate classification (germline): Likely benign. Review status: criteria provided, multiple submitters, no conflicts (2 of 4 stars). 3 submissions from 3 submitters: Likely benign (3). Last evaluated 2026-01-12.

Conditions:
Joubert syndrome. Also called: JOUBERT-BOLTSHAUSER SYNDROME; Familial aplasia of the vermis. Identifiers: Orphanet 475, MedGen C5979921, MONDO:0018772.
Meckel-Gruber syndrome. Also called: GRUBER SYNDROME; DYSENCEPHALIA SPLANCHNOCYSTICA; Dysencephalia splachnocystica. Identifiers: Orphanet 564, MedGen C0265215, MONDO:0018921.
RPGRIP1L-related disorder. Also called: RPGRIP1L-related condition; RPGRIP1L-related disorders. Identifiers: MedGen CN239416.

Allele frequency attached by ClinVar (database versions not stated): TOPMed 0.00003; ESP Exome Variant Server 0.00015.
gnomAD v4.1: 48 of 1,595,498 alleles (0.003%); highest among the groups gnomAD compares: Middle Eastern, 0.067%; no homozygotes.

Submissions (3):

Labcorp Genetics (formerly Invitae), Labcorp
Classification: Likely benign for Joubert syndrome; Meckel-Gruber syndrome. Last evaluated: 2026-01-12. Review status: criteria provided, single submitter. Criteria: Invitae Variant Classification Sherloc (09022015). Collection method: clinical testing. Allele origin: germline.

PreventionGenetics, part of Exact Sciences
Classification: Likely benign for RPGRIP1L-related condition. Last evaluated: 2025-10-22. Review status: criteria provided, single submitter. Criteria: ACMG Guidelines, 2015. Collection method: clinical testing. Allele origin: germline.
Comment: This variant is classified as likely benign based on ACMG/AMP sequence variant interpretation guidelines (Richards et al. 2015 PMID: 25741868, with internal and published modifications).

Blueprint Genetics
Classification: Likely benign. Last evaluated: 2024-11-26. Review status: criteria provided, single submitter. Criteria: ACMG Guidelines, 2015. Collection method: clinical testing. Allele origin: germline.

NM_015272.5(RPGRIP1L):c.1351-12A>G

Gene: RPGRIP1L (RPGRIP1 like; minus strand). Cytogenetic location: 16q12.2.
Variant type: single nucleotide variant.
Coding change: c.1351-12A>G on transcript NM_015272.5 (MANE Select); 12 bases into the intron before coding-DNA position 1351, A replaced by G.
Molecular consequence: intron variant.
Genome position (GRCh38, 1-based): chr16:53,658,476, T>C on the plus strand (A>G on the coding strand, the complement: RPGRIP1L is on the minus strand). VCF-style: chr16-53658476-T-C. GRCh37 (hg19) VCF-style: chr16-53692388-T-C.
Other names: c.1351-12A>G (NM_001127897.4, NM_001330538.2, NM_001308334.3 and 1 more transcripts).
Identifiers: ClinVar variation 1641093 (VCV001641093.10), dbSNP rs374000859, ClinGen allele CA8057824.
Genomic context (GRCh38, chr16:53,658,476, plus strand): 5'-TTATAAGTAGGAGAGCTTCACTCAATTCATCAGCATTAATATCATTCTCCTGCAATAGAT[T>C]AAGTAAAAGCTCACAATGAGTTATGAATGGAAAATACAAGAGACATTCCAAGTATTCAAA-3'